The following is an entry in ClinVar:

NM_000059.4(BRCA2):c.3087G>A (p.Met1029Ile)

Gene: BRCA2 (BRCA2 DNA repair associated; plus strand). Cytogenetic location: 13q13.1.
Variant type: single nucleotide variant.
Coding change: c.3087G>A on transcript NM_000059.4 (MANE Select); coding-DNA position 3087, G replaced by A.
Protein change: p.Met1029Ile; replaces methionine 1029 with isoleucine.
Molecular consequence: missense variant.
Genome position (GRCh38, 1-based): chr13:32,337,442, G>A. VCF-style: chr13-32337442-G-A. GRCh37 (hg19) VCF-style: chr13-32911579-G-A.
Other names: c.3087G>A, p.Met1029Ile (NM_001406719.1, NM_001406720.1); short protein forms M1029I.
Identifiers: ClinVar variation 2009014 (VCV002009014.6), dbSNP rs2137493064, ClinGen allele CA387775246.

ClinVar aggregate classification (germline): Conflicting classifications of pathogenicity. Review status: criteria provided, conflicting classifications (1 of 4 stars). 2 submissions from 2 submitters: Uncertain significance (1); Likely benign (1). Last evaluated 2023-03-23.

Conditions:
Hereditary breast ovarian cancer syndrome. Also called: Hereditary breast and ovarian cancer syndrome (HBOC); Hereditary breast and ovarian cancer syndrome; Hereditary breast and ovarian cancer; Breast and ovarian cancer; BRCA1- and BRCA2-Associated Hereditary Breast and Ovarian Cancer; Hereditary breast and/or ovarian cancer syndrome. Identifiers: Orphanet 145, MedGen C0677776, MeSH D061325, MONDO:0003582. Disease mechanism: loss of function.
Hereditary cancer-predisposing syndrome. Also called: Tumor predisposition; Neoplastic Syndromes, Hereditary; Hereditary Cancer Syndrome; Hereditary neoplastic syndrome. Identifiers: Orphanet 140162, MedGen C0027672, MeSH D009386, MONDO:0015356.

Submissions (2):

University of Washington Department of Laboratory Medicine, University of Washington
Classification: Likely benign for Hereditary cancer-predisposing syndrome. Last evaluated: 2023-03-23. Review status: criteria provided, single submitter. Criteria: Dines et al. (Genet Med. 2020). Collection method: curation. Allele origin: germline.
Comment: Missense variant in a coldspot region where missense variants are very unlikely to be pathogenic (PMID:31911673).

BRCA2 exon 11 coldspot. Reclassification based on statistical prior probability.

Labcorp Genetics (formerly Invitae), Labcorp
Classification: Uncertain significance for Hereditary breast ovarian cancer syndrome. Last evaluated: 2022-08-13. Review status: criteria provided, single submitter. Criteria: Invitae Variant Classification Sherloc (09022015). Collection method: clinical testing. Allele origin: germline.
Comment: This variant is not present in population databases (gnomAD no frequency). In summary, the available evidence is currently insufficient to determine the role of this variant in disease. Therefore, it has been classified as a Variant of Uncertain Significance. Advanced modeling of protein sequence and biophysical properties (such as structural, functional, and spatial information, amino acid conservation, physicochemical variation, residue mobility, and thermodynamic stability) performed at Invitae indicates that this missense variant is not expected to disrupt BRCA2 protein function. This variant has not been reported in the literature in individuals affected with BRCA2-related conditions. This sequence change replaces methionine, which is neutral and non-polar, with isoleucine, which is neutral and non-polar, at codon 1029 of the BRCA2 protein (p.Met1029Ile).